The following is an entry in ClinVar:

NM_024490.4(ATP10A):c.123G>T (p.Ala41=)

Gene: ATP10A (ATPase phospholipid transporting 10A (putative); minus strand). Cytogenetic location: 15q12.
Variant type: single nucleotide variant.
Coding change: c.123G>T on transcript NM_024490.4 (MANE Select); coding-DNA position 123, G replaced by T.
Protein change: p.Ala41=; no amino-acid change (alanine 41 retained).
Molecular consequence: synonymous variant.
Genome position (GRCh38, 1-based): chr15:25,862,974, C>A on the plus strand (G>T on the coding strand, the complement: ATP10A is on the minus strand). VCF-style: chr15-25862974-C-A. GRCh37 (hg19) VCF-style: chr15-26108121-C-A.
Identifiers: ClinVar variation 2645019 (VCV002645019.24), dbSNP rs780276382, ClinGen allele CA7437248.

ClinVar aggregate classification (germline): Likely benign (1 of 4 stars; one submission).

Allele frequency attached by ClinVar (database versions not stated): gnomAD 0.00007; ExAC 0.00033.
gnomAD v4.1: 160 of 1,495,410 alleles (0.011%); highest among the groups gnomAD compares: Middle Eastern, 0.088%; 2 homozygotes.

Submission:

CeGaT Center for Human Genetics Tuebingen
Classification: Likely benign. Last evaluated: 2023-02-01. Review status: criteria provided, single submitter. Criteria: CeGaT Center For Human Genetics Tuebingen Variant Classification Criteria Version 2. Collection method: clinical testing. Allele origin: germline. Affected: yes. Observed: 1 variant allele.
Comment: ATP10A: BP4, BP7